The following is an entry in ClinVar:

NM_139318.5(KCNH5):c.2795A>G (p.Glu932Gly)

Gene: KCNH5 (potassium voltage-gated channel subfamily H member 5; minus strand). Cytogenetic location: 14q23.2.
Variant type: single nucleotide variant.
Coding change: c.2795A>G on transcript NM_139318.5 (MANE Select); coding-DNA position 2795, A replaced by G.
Protein change: p.Glu932Gly; replaces glutamic acid 932 with glycine.
Molecular consequence: missense variant. On other transcripts: 3 prime UTR variant (1).
Genome position (GRCh38, 1-based): chr14:62,707,680, T>C on the plus strand (A>G on the coding strand, the complement: KCNH5 is on the minus strand). VCF-style: chr14-62707680-T-C. GRCh37 (hg19) VCF-style: chr14-63174398-T-C.
Other names: c.*762A>G (NM_172375.3); short protein forms E932G.
Identifiers: ClinVar variation 4885837 (VCV004885837.2).

ClinVar aggregate classification (germline): Uncertain significance (1 of 4 stars; one submission).

Submission:

Dasa
Classification: Uncertain significance. Last evaluated: 2025-11-19. Review status: criteria provided, single submitter. Criteria: DASA Assertion Criteria. Collection method: clinical testing. Allele origin: germline.
Comment: NM_139318.5(KCNH5):c.2795A>G (p.Glu932Gly) is a missense variant that results in the substitution of glutamic acid with glycine. This variant is absent from population databases. Computational prediction algorithms are consistent with a deleterious effect. The currently available literature and clinical evidence are not sufficient to establish a definitive association between this variant and the reported condition. Therefore, this variant is classified as a variant of uncertain significance.